The following is an entry in ClinVar:

NC_012920.1(MT-CYB):m.14826T>C

Gene: MT-CYB (mitochondrially encoded cytochrome b; plus strand).
Variant type: single nucleotide variant.
Genome position: chrM-14826-T-C.
Identifiers: ClinVar variation 693772 (VCV000693772.2), dbSNP rs1603224914, ClinGen allele CA913172199.

ClinVar aggregate classification (germline): Uncertain significance (1 of 4 stars; one submission).

Conditions:
Leigh syndrome (NULS). Also called: Leigh's necrotizing encephalopathy; Leigh's disease; Leigh's syndrome; LEIGH SYNDROME, NUCLEAR; Leigh Syndrome (mtDNA deletion); Leigh Disease. Identifiers: Orphanet 506, MedGen C2931891, MONDO:0009723, OMIM 256000.

Submission:

Wong Mito Lab, Molecular and Human Genetics, Baylor College of Medicine
Classification: Uncertain significance for Leigh syndrome. Last evaluated: 2019-10-17. Review status: criteria provided, single submitter. Criteria: Modified ACMG Guidelines (Unpublished). Collection method: clinical testing. Allele origin: germline.
Comment: The NC_012920.1:m.14826T>C (YP_003024038.1:p.Ile27Thr) variant in MTCYB gene is interpretated to be a Uncertain Significance variant based on the modified ACMG guidelines (unpublished). This variant meets the following evidence codes: PM9, PP6